The following is an entry in ClinVar:

ClinVar aggregate classification (germline): Likely benign (1 of 4 stars; one submission).

Allele frequency attached by ClinVar (database versions not stated): 1000 Genomes Project 30x 0.00999; 1000 Genomes Project 0.01158; TOPMed 0.01223; gnomAD 0.01350 and 0.01369.

Submission:

GeneDx
Classification: Likely benign. Last evaluated: 2018-06-14. Review status: criteria provided, single submitter. Criteria: GeneDx Variant Classification (06012015). Collection method: clinical testing. Allele origin: germline. Affected: yes.
Comment: This variant is considered likely benign or benign based on one or more of the following criteria: it is a conservative change, it occurs at a poorly conserved position in the protein, it is predicted to be benign by multiple in silico algorithms, and/or has population frequency not consistent with disease.

NM_000126.4(ETFA):c.39+234G>A

Gene: ETFA (electron transfer flavoprotein subunit alpha; minus strand). Cytogenetic location: 15q24.3.
Variant type: single nucleotide variant.
Coding change: c.39+234G>A on transcript NM_000126.4 (MANE Select); 234 bases into the intron after coding-DNA position 39, G replaced by A.
Molecular consequence: intron variant.
Genome position (GRCh38, 1-based): chr15:76,311,116, C>T on the plus strand (G>A on the coding strand, the complement: ETFA is on the minus strand). VCF-style: chr15-76311116-C-T. GRCh37 (hg19) VCF-style: chr15-76603457-C-T.
Other names: c.39+234G>A (NM_001127716.2).
Identifiers: ClinVar variation 679968 (VCV000679968.1), dbSNP rs118111581, ClinGen allele CA273705429.
Genomic context (GRCh38, chr15:76,311,116, plus strand): 5'-AAGGTGGGAAACGGCAGGGCAGAGAGTGGGCCAGAAGAAGGGGCAGCAGACGCGCAAATT[C>T]ACATCATTCGGGGTCACCCTGACCCCAAACCTCTGACTTCTGCCCCGAACTGGCGTTCCG-3'